The following is an entry in ClinVar:

NM_006206.6(PDGFRA):c.3238T>C (p.Ser1080Pro)

Gene: PDGFRA (platelet derived growth factor receptor alpha; plus strand). Cytogenetic location: 4q12.
Variant type: single nucleotide variant.
Coding change: c.3238T>C on transcript NM_006206.6 (MANE Select); coding-DNA position 3238, T replaced by C.
Protein change: p.Ser1080Pro; replaces serine 1080 with proline.
Molecular consequence: missense variant.
Genome position (GRCh38, 1-based): chr4:54,295,240, T>C. VCF-style: chr4-54295240-T-C. GRCh37 (hg19) VCF-style: chr4-55161407-T-C.
Other names: c.3238T>C, p.Ser1080Pro (NM_001347829.2); c.3277T>C, p.Ser1093Pro (NM_001347830.2); c.3313T>C, p.Ser1105Pro (NM_001347828.2); c.3238T>C (NM_006206.4); short protein forms S1080P, S1093P, S1105P.
Identifiers: ClinVar variation 1364158 (VCV001364158.7), dbSNP rs777641634, ClinGen allele CA2923071.

ClinVar aggregate classification (germline): Conflicting classifications of pathogenicity. Review status: criteria provided, conflicting classifications (1 of 4 stars). 2 submissions from 2 submitters: Uncertain significance (1); Likely benign (1). Last evaluated 2026-07-07.

Conditions:
Hereditary cancer-predisposing syndrome. Also called: Hereditary Cancer Syndrome; Neoplastic Syndromes, Hereditary; Hereditary neoplastic syndrome; Tumor predisposition. Identifiers: Orphanet 140162, MedGen C0027672, MeSH D009386, MONDO:0015356.
Gastrointestinal stromal tumor. Also called: Gastrointestinal stromal tumor, somatic; Gastrointestinal stroma tumor. Identifiers: Orphanet 44890, MedGen C0238198, MeSH D046152, MONDO:0011719, OMIM 606764, HP:0100723.

Allele frequency attached by ClinVar (database versions not stated): gnomAD 0.00001; TOPMed 0.00003; gnomAD exomes below 0.00001; ExAC 0.00001.
gnomAD v4.1: 2 of 1,613,940 alleles (0.00012%); highest among the groups gnomAD compares: African/African-American, 0.0027%; no homozygotes.

Submissions (2):

Ambry Genetics
Classification: Likely benign for Hereditary cancer-predisposing syndrome. Last evaluated: 2026-07-07. Review status: criteria provided, single submitter. Criteria: Ambry Variant Classification Scheme 2023. Collection method: clinical testing. Allele origin: germline.

Labcorp Genetics (formerly Invitae), Labcorp
Classification: Uncertain significance for Gastrointestinal stromal tumor. Last evaluated: 2025-09-28. Review status: criteria provided, single submitter. Criteria: Invitae Variant Classification Sherloc (09022015). Collection method: clinical testing. Allele origin: germline.
Comment: This sequence change replaces serine, which is neutral and polar, with proline, which is neutral and non-polar, at codon 1080 of the PDGFRA protein (p.Ser1080Pro). This variant is present in population databases (rs777641634, gnomAD 0.007%). This variant has not been reported in the literature in individuals affected with PDGFRA-related conditions. ClinVar contains an entry for this variant (Variation ID: 1364158). An algorithm developed to predict the effect of missense changes on protein structure and function outputs the following: PolyPhen-2: "Benign". The proline amino acid residue is found in multiple mammalian species, which suggests that this missense change does not adversely affect protein function. In summary, the available evidence is currently insufficient to determine the role of this variant in disease. Therefore, it has been classified as a Variant of Uncertain Significance.